The following is an entry in ClinVar:

ClinVar aggregate classification (germline): Uncertain significance (1 of 4 stars; one submission).

gnomAD v4.1: 6 of 1,612,172 alleles (0.00037%); highest among the groups gnomAD compares: East Asian, 0.013%; no homozygotes.

Submission:

Ambry Genetics
Classification: Uncertain significance. Last evaluated: 2025-05-25. Review status: criteria provided, single submitter. Criteria: Ambry Variant Classification Scheme 2023. Collection method: clinical testing. Allele origin: germline.
Comment: The p.V253F variant (also known as c.757G>T) is located in coding exon 7 of the RAD51B gene. The valine at codon 253 is replaced by phenylalanine, an amino acid with highly similar properties. This change occurs in the first base pair of coding exon 7. This amino acid position is conserved. In addition, this alteration is predicted to be deleterious by in silico analysis. Based on the available evidence, the clinical significance of this variant remains unclear.

NM_133510.4(RAD51B):c.757G>T (p.Val253Phe)

Gene: RAD51B (RAD51 paralog B; plus strand). Cytogenetic location: 14q24.1.
Variant type: single nucleotide variant.
Coding change: c.757G>T on transcript NM_133510.4 (MANE Select); coding-DNA position 757, G replaced by T.
Protein change: p.Val253Phe; replaces valine 253 with phenylalanine.
Molecular consequence: missense variant.
Genome position (GRCh38, 1-based): chr14:68,291,884, G>T. VCF-style: chr14-68291884-G-T. GRCh37 (hg19) VCF-style: chr14-68758601-G-T.
Other names: c.757G>T, p.Val253Phe (NM_001321809.2, NM_001321810.2, NM_001321812.1 and 6 more transcripts); c.643G>T, p.Val215Phe (NM_001321815.1); c.400G>T, p.Val134Phe (NM_001321817.2); short protein forms V253F, V215F, V134F.
Identifiers: ClinVar variation 3942328 (VCV003942328.1).